The following is an entry in ClinVar:

ClinVar aggregate classification (germline): Uncertain significance (1 of 4 stars; one submission).

Submission:

GeneDx
Classification: Uncertain significance. Last evaluated: 2025-07-09. Review status: criteria provided, single submitter. Criteria: GeneDx Variant Classification Process June 2021. Collection method: clinical testing. Allele origin: germline. Affected: yes.
Comment: Not observed at significant frequency in large population cohorts (gnomAD); In silico analysis supports that this missense variant has a deleterious effect on protein structure/function; Has not been previously published as pathogenic or benign to our knowledge

NM_005901.6(SMAD2):c.112G>A (p.Glu38Lys)

Gene: SMAD2 (SMAD family member 2; minus strand). Cytogenetic location: 18q21.1.
Variant type: single nucleotide variant.
Coding change: c.112G>A on transcript NM_005901.6 (MANE Select); coding-DNA position 112, G replaced by A.
Protein change: p.Glu38Lys; replaces glutamic acid 38 with lysine.
Molecular consequence: missense variant.
Genome position (GRCh38, 1-based): chr18:47,896,645, C>T on the plus strand (G>A on the coding strand, the complement: SMAD2 is on the minus strand). VCF-style: chr18-47896645-C-T. GRCh37 (hg19) VCF-style: chr18-45423016-C-T.
Other names: c.112G>A, p.Glu38Lys (NM_001003652.4, NM_001135937.3); short protein forms E38K.
Identifiers: ClinVar variation 4685259 (VCV004685259.1).